The following is an entry in ClinVar:

ClinVar aggregate classification (germline): Pathogenic (1 of 4 stars; one submission).

Conditions:
Neurofibromatosis, type 1 (NF1). Also called: NEUROFIBROMATOSIS, TYPE I, SOMATIC; VON RECKLINGHAUSEN DISEASE; Peripheral type neurofibromatosis; Neurofibromatosis, type I. Identifiers: Orphanet 636, MedGen C0027831, MONDO:0018975, OMIM 162200. Disease mechanism: loss of function.

Submission:

Labcorp Genetics (formerly Invitae), Labcorp
Classification: Pathogenic for Neurofibromatosis, type 1. Last evaluated: 2025-05-04. Review status: criteria provided, single submitter. Criteria: Invitae Variant Classification Sherloc (09022015). Collection method: clinical testing. Allele origin: germline.
Comment: This sequence change creates a premature translational stop signal (p.Lys1185Serfs*29) in the NF1 gene. It is expected to result in an absent or disrupted protein product. Loss-of-function variants in NF1 are known to be pathogenic (PMID: 10712197, 23913538). This variant is not present in population databases (gnomAD no frequency). This variant has not been reported in the literature in individuals affected with NF1-related conditions. For these reasons, this variant has been classified as Pathogenic.

Literature cited by the submitters: PubMed 10712197; PubMed 23913538.

NM_001042492.3(NF1):c.3553_3556del (p.Lys1185fs)

Gene: NF1 (neurofibromin 1; plus strand). Cytogenetic location: 17q11.2.
Variant type: Deletion.
Coding change: c.3553_3556del on transcript NM_001042492.3 (MANE Select); coding-DNA positions 3553 to 3556, 4 bases deleted (AAAA; older notation c.3553_3556delAAAA).
Protein change: p.Lys1185fs; shifts the reading frame from lysine 1185.
Molecular consequence: frameshift variant.
Genome position (GRCh38, 1-based): chr17:31,233,058-31,233,061, AAAA deleted; deleting any 4 consecutive bases within chr17:31,233,057-31,233,061 gives the same sequence; the c. name uses the placement nearest the transcript's 3' end. VCF-style (leftmost placement, unchanged base first): chr17-31233056-CAAAA-C. GRCh37 (hg19) VCF-style: chr17-29560074-CAAAA-C.
Other names: c.3553_3556del, p.Lys1185fs (NM_000267.4); short protein forms K1185fs.
Identifiers: ClinVar variation 4718936 (VCV004718936.1).